The following is an entry in ClinVar:

ClinVar aggregate classification (germline): Uncertain significance. Review status: criteria provided, multiple submitters, no conflicts (2 of 4 stars). 5 submissions from 5 submitters: Uncertain significance (5). Last evaluated 2025-07-01.

Conditions:
Cardiovascular phenotype. Identifiers: MedGen CN230736.
Brugada syndrome. Also called: Sudden Unexplained Death Syndrome; Sudden Unexplained Nocturnal Death Syndrome (SUNDS); Sudden unexpected nocturnal death syndrome; Sudden unexplained nocturnal death syndrome. Identifiers: Orphanet 130, MedGen C1142166, MONDO:0015263.
Progressive familial heart block type IB (PFHB1B). Identifiers: Orphanet 871, MedGen C1970298, MONDO:0011474, OMIM 604559.

Allele frequency attached by ClinVar (database versions not stated): gnomAD 0.00001; ExAC 0.00004; gnomAD exomes 0.00004 and 0.00005; TOPMed 0.00004.
gnomAD v4.1: 73 of 1,613,912 alleles (0.0045%); highest among the groups gnomAD compares: East Asian, 0.025%; no homozygotes.

Submissions (5):

GeneDx
Classification: Uncertain significance. Last evaluated: 2025-07-01. Review status: criteria provided, single submitter. Criteria: GeneDx Variant Classification Process June 2021. Collection method: clinical testing. Allele origin: germline. Affected: yes.
Comment: In silico analysis supports that this missense variant has a deleterious effect on protein structure/function; Has not been previously published as pathogenic or benign to our knowledge

Labcorp Genetics (formerly Invitae), Labcorp
Classification: Uncertain significance for Progressive familial heart block type IB. Last evaluated: 2025-06-19. Review status: criteria provided, single submitter. Criteria: Invitae Variant Classification Sherloc (09022015). Collection method: clinical testing. Allele origin: germline.
Comment: This sequence change replaces alanine, which is neutral and non-polar, with valine, which is neutral and non-polar, at codon 308 of the TRPM4 protein (p.Ala308Val). This variant is present in population databases (rs747192078, gnomAD 0.03%). This variant has not been reported in the literature in individuals affected with TRPM4-related conditions. ClinVar contains an entry for this variant (Variation ID: 409639). An algorithm developed to predict the effect of missense changes on protein structure and function (PolyPhen-2) suggests that this variant is likely to be disruptive. In summary, the available evidence is currently insufficient to determine the role of this variant in disease. Therefore, it has been classified as a Variant of Uncertain Significance.

Ambry Genetics
Classification: Uncertain significance for Cardiovascular phenotype. Last evaluated: 2024-10-21. Review status: criteria provided, single submitter. Criteria: Ambry Variant Classification Scheme 2023. Collection method: clinical testing. Allele origin: germline.
Comment: The p.A308V variant (also known as c.923C>T), located in coding exon 8 of the TRPM4 gene, results from a C to T substitution at nucleotide position 923. The alanine at codon 308 is replaced by valine, an amino acid with similar properties. This alteration has been reported in exome cohorts in individuals of Asian descent (Kim J et al. Sci Rep, 2018 04;8:5677; Wang D et al. Am J Hum Genet, 2018 05;102:794-805). This amino acid position is highly conserved in available vertebrate species. In addition, this alteration is predicted to be deleterious by in silico analysis. Since supporting evidence is limited at this time, the clinical significance of this alteration remains unclear.

CeGaT Center for Human Genetics Tuebingen
Classification: Uncertain significance. Last evaluated: 2023-01-01. Review status: criteria provided, single submitter. Criteria: CeGaT Center For Human Genetics Tuebingen Variant Classification Criteria Version 2. Collection method: clinical testing. Allele origin: germline. Affected: yes. Observed: 1 variant allele.

MVZ Martinsried, Medicover Genetics
Classification: Uncertain significance for Brugada syndrome. Last evaluated: 2017-05-16. Review status: criteria provided, single submitter. Criteria: ACMG Guidelines, 2015. Collection method: clinical testing. Allele origin: unknown. Affected: yes.

Literature cited by the submitters: PubMed 29618732 (cited by Ambry Genetics); PubMed 29706348 (cited by Ambry Genetics).

NM_017636.4(TRPM4):c.923C>T (p.Ala308Val)

Gene: TRPM4 (transient receptor potential cation channel subfamily M member 4; plus strand). Cytogenetic location: 19q13.33.
Variant type: single nucleotide variant.
Coding change: c.923C>T on transcript NM_017636.4 (MANE Select); coding-DNA position 923, C replaced by T.
Protein change: p.Ala308Val; replaces alanine 308 with valine.
Molecular consequence: missense variant. On other transcripts: 5 prime UTR variant (1).
Genome position (GRCh38, 1-based): chr19:49,171,642, C>T. VCF-style: chr19-49171642-C-T. GRCh37 (hg19) VCF-style: chr19-49674899-C-T.
Other names: c.923C>T, p.Ala308Val (NM_001195227.2); c.578C>T, p.Ala193Val (NM_001321281.2); c.-631C>T (NM_001321282.2); c.401C>T, p.Ala134Val (NM_001321283.2); c.74C>T, p.Ala25Val (NM_001321285.2); short protein forms A308V, A193V, A134V, A25V.
Identifiers: ClinVar variation 409639 (VCV000409639.38), dbSNP rs747192078, ClinGen allele CA9569018.